The following is an entry in ClinVar:

ClinVar aggregate classification (germline): Uncertain significance (1 of 4 stars; one submission).

Conditions:
Mucopolysaccharidosis, MPS-III-D (MPS3D). Also called: MUCOPOLYSACCHARIDOSIS, TYPE IIID; N-ACETYLGLUCOSAMINE-6-SULFATASE DEFICIENCY; SANFILIPPO SYNDROME D; MPS III D; Mucopoly-saccharidosis type 3D; N-acetylglucosamine-6-sulfate sulfatase deficiency. Identifiers: Orphanet 581, Orphanet 79272, MedGen C0086650, MONDO:0009658, OMIM 252940.

Submission:

Labcorp Genetics (formerly Invitae), Labcorp
Classification: Uncertain significance for Mucopolysaccharidosis, MPS-III-D. Last evaluated: 2022-08-19. Review status: criteria provided, single submitter. Criteria: Invitae Variant Classification Sherloc (09022015). Collection method: clinical testing. Allele origin: germline.
Comment: This sequence change replaces leucine, which is neutral and non-polar, with proline, which is neutral and non-polar, at codon 551 of the GNS protein (p.Leu551Pro). This variant is not present in population databases (gnomAD no frequency). This variant has not been reported in the literature in individuals affected with GNS-related conditions. Algorithms developed to predict the effect of missense changes on protein structure and function output the following: SIFT: "Tolerated"; PolyPhen-2: "Benign"; Align-GVGD: "Class C0". The proline amino acid residue is found in multiple mammalian species, which suggests that this missense change does not adversely affect protein function. In summary, the available evidence is currently insufficient to determine the role of this variant in disease. Therefore, it has been classified as a Variant of Uncertain Significance.

NM_002076.4(GNS):c.1652T>C (p.Leu551Pro)

Gene: GNS (glucosamine (N-acetyl)-6-sulfatase; minus strand). Cytogenetic location: 12q14.3.
Variant type: single nucleotide variant.
Coding change: c.1652T>C on transcript NM_002076.4 (MANE Select); coding-DNA position 1652, T replaced by C.
Protein change: p.Leu551Pro; replaces leucine 551 with proline.
Molecular consequence: missense variant.
Genome position (GRCh38, 1-based): chr12:64,716,748, A>G on the plus strand (T>C on the coding strand, the complement: GNS is on the minus strand). VCF-style: chr12-64716748-A-G. GRCh37 (hg19) VCF-style: chr12-65110528-A-G.
Other names: short protein forms L551P.
Identifiers: ClinVar variation 1716869 (VCV001716869.5), dbSNP rs2539499814, ClinGen allele CA385599710.